The following is an entry in ClinVar:

ClinVar aggregate classification (germline): Uncertain significance (1 of 4 stars; one submission).

Conditions:
Inborn genetic diseases. Identifiers: MedGen C0950123, MeSH D030342.

Submission:

Ambry Genetics
Classification: Uncertain significance for Inborn genetic diseases. Last evaluated: 2026-07-07. Review status: criteria provided, single submitter. Criteria: Ambry Variant Classification Scheme 2023. Collection method: clinical testing. Allele origin: germline.
Comment: The c.310A>G (p.R104G) alteration is located in exon 4 (coding exon 4) of the NAA15 gene. This alteration results from a A to G substitution at nucleotide position 310, causing the arginine (R) at amino acid position 104 to be replaced by a glycine (G). This variant was not reported in population-based cohorts in the Genome Aggregation Database (gnomAD). This amino acid position is highly conserved in available vertebrate species. This missense variant is located in a region that has a low rate of benign missense variation (Lek, 2016; Firth, 2009). This alteration is predicted to be deleterious by in silico analysis. Based on insufficient or conflicting evidence, the clinical significance of this alteration remains unclear.

NM_057175.5(NAA15):c.310A>G (p.Arg104Gly)

Gene: NAA15 (N-alpha-acetyltransferase 15, NatA auxiliary subunit; plus strand). Cytogenetic location: 4q31.1.
Variant type: single nucleotide variant.
Coding change: c.310A>G on transcript NM_057175.5 (MANE Select); coding-DNA position 310, A replaced by G.
Protein change: p.Arg104Gly; replaces arginine 104 with glycine.
Molecular consequence: missense variant.
Genome position (GRCh38, 1-based): chr4:139,340,977, A>G. VCF-style: chr4-139340977-A-G. GRCh37 (hg19) VCF-style: chr4-140262131-A-G.
Other names: c.310A>G, p.Arg104Gly (NM_001410842.1); short protein forms R104G.
Identifiers: ClinVar variation 5025330 (VCV005025330.1).